The following is an entry in ClinVar:

ClinVar aggregate classification (germline): Uncertain significance (1 of 4 stars; one submission).

Submission:

Labcorp Genetics (formerly Invitae), Labcorp
Classification: Uncertain significance. Last evaluated: 2020-08-04. Review status: criteria provided, single submitter. Criteria: Invitae Variant Classification Sherloc (09022015). Collection method: clinical testing. Allele origin: germline.
Comment: This sequence change replaces proline with glutamine at codon 475 of the PCARE protein (p.Pro475Gln). The proline residue is weakly conserved and there is a moderate physicochemical difference between proline and glutamine. In summary, the available evidence is currently insufficient to determine the role of this variant in disease. Therefore, it has been classified as a Variant of Uncertain Significance. Algorithms developed to predict the effect of sequence changes on RNA splicing suggest that this variant may create or strengthen a splice site, but this prediction has not been confirmed by published transcriptional studies. Algorithms developed to predict the effect of missense changes on protein structure and function (SIFT, PolyPhen-2, Align-GVGD) all suggest that this variant is likely to be tolerated, but these predictions have not been confirmed by published functional studies and their clinical significance is uncertain. This variant has not been reported in the literature in individuals with PCARE-related conditions. This variant is not present in population databases (ExAC no frequency).

NM_001029883.3(PCARE):c.1424C>A (p.Pro475Gln)

Gene: PCARE (photoreceptor cilium actin regulator; minus strand). Cytogenetic location: 2p23.2.
Variant type: single nucleotide variant.
Coding change: c.1424C>A on transcript NM_001029883.3 (MANE Select); coding-DNA position 1424, C replaced by A.
Protein change: p.Pro475Gln; replaces proline 475 with glutamine.
Molecular consequence: missense variant.
Genome position (GRCh38, 1-based): chr2:29,072,838, G>T on the plus strand (C>A on the coding strand, the complement: PCARE is on the minus strand). VCF-style: chr2-29072838-G-T. GRCh37 (hg19) VCF-style: chr2-29295704-G-T.
Other names: short protein forms P475Q.
Identifiers: ClinVar variation 960465 (VCV000960465.9), dbSNP rs1358649212, ClinGen allele CA346480225.
Genomic context (GRCh38, chr2:29,072,838, plus strand): 5'-TCTTCCTCCTCCTCCTCTGGGCTGCTGTCCTCGCTGTCACTAAGAGATGAAGCGTCCATC[G>T]GCCTGGAGGTTTTGGAAAGGTGTGGTTCCACAGAGACCCCAATCCCAAAGGAATCACATG-3'
Protein context (NP_001025054.1, residues 465-485): VEPHLSKTSR[Pro475Gln]MDASSLSDSE